The following is an entry in ClinVar:

ClinVar aggregate classification (germline): Likely benign (1 of 4 stars; one submission).

Submission:

GeneDx
Classification: Likely benign. Last evaluated: 2018-02-08. Review status: criteria provided, single submitter. Criteria: GeneDx Variant Classification (06012015). Collection method: clinical testing. Allele origin: germline. Affected: yes.
Comment: This variant is considered likely benign or benign based on one or more of the following criteria: it is a conservative change, it occurs at a poorly conserved position in the protein, it is predicted to be benign by multiple in silico algorithms, and/or has population frequency not consistent with disease.

NM_001330260.2(SCN8A):c.-55+13A>G

Gene: SCN8A (sodium voltage-gated channel alpha subunit 8; plus strand). Cytogenetic location: 12q13.13.
Variant type: single nucleotide variant.
Coding change: c.-55+13A>G on transcript NM_001330260.2 (MANE Select); 13 bases into the intron after 55 bases upstream of the start codon, A replaced by G.
Molecular consequence: intron variant.
Genome position (GRCh38, 1-based): chr12:51,591,372, A>G. VCF-style: chr12-51591372-A-G. GRCh37 (hg19) VCF-style: chr12-51985156-A-G.
Other names: c.-55+13A>G (NM_014191.4, NM_001177984.3, NM_001369788.1).
Identifiers: ClinVar variation 509397 (VCV000509397.1), dbSNP rs1555205506, ClinGen allele CA658797919.